The following is an entry in ClinVar:

NM_001122769.3(LCA5):c.1648G>C (p.Glu550Gln)

Gene: LCA5 (lebercilin LCA5; minus strand). Cytogenetic location: 6q14.1.
Variant type: single nucleotide variant.
Coding change: c.1648G>C on transcript NM_001122769.3 (MANE Select); coding-DNA position 1648, G replaced by C.
Protein change: p.Glu550Gln; replaces glutamic acid 550 with glutamine.
Molecular consequence: missense variant.
Genome position (GRCh38, 1-based): chr6:79,487,450, C>G on the plus strand (G>C on the coding strand, the complement: LCA5 is on the minus strand). VCF-style: chr6-79487450-C-G. GRCh37 (hg19) VCF-style: chr6-80197167-C-G.
Other names: c.1648G>C, p.Glu550Gln (NM_181714.4); c.1648G>C (NM_181714.3); short protein forms E550Q.
Identifiers: ClinVar variation 1397949 (VCV001397949.6), dbSNP rs756922411, ClinGen allele CA3900793.

ClinVar aggregate classification (germline): Uncertain significance. Review status: criteria provided, multiple submitters, no conflicts (2 of 4 stars). 2 submissions from 2 submitters: Uncertain significance (2). Last evaluated 2021-09-01.

Conditions:
Inborn genetic diseases. Identifiers: MedGen C0950123, MeSH D030342.

Allele frequency attached by ClinVar (database versions not stated): gnomAD exomes below 0.00001; ExAC 0.00001; gnomAD 0.00001; TOPMed 0.00002.
gnomAD v4.1: 3 of 1,613,920 alleles (0.00019%); highest among the groups gnomAD compares: African/African-American, 0.0027%; no homozygotes.

Submissions (2):

Ambry Genetics
Classification: Uncertain significance for Inborn genetic diseases. Last evaluated: 2021-09-01. Review status: criteria provided, single submitter. Criteria: Ambry Variant Classification Scheme 2023. Collection method: clinical testing. Allele origin: germline.

Labcorp Genetics (formerly Invitae), Labcorp
Classification: Uncertain significance. Last evaluated: 2021-09-01. Review status: criteria provided, single submitter. Criteria: Invitae Variant Classification Sherloc (09022015). Collection method: clinical testing. Allele origin: germline.
Comment: This sequence change replaces glutamic acid with glutamine at codon 550 of the LCA5 protein (p.Glu550Gln). The glutamic acid residue is highly conserved and there is a small physicochemical difference between glutamic acid and glutamine. The frequency data for this variant in the population databases is considered unreliable, as metrics indicate poor data quality at this position in the ExAC database. This variant has not been reported in the literature in individuals affected with LCA5-related conditions. Algorithms developed to predict the effect of missense changes on protein structure and function are either unavailable or do not agree on the potential impact of this missense change (SIFT: "Deleterious"; PolyPhen-2: "Possibly Damaging"; Align-GVGD: "Class C0"). In summary, the available evidence is currently insufficient to determine the role of this variant in disease. Therefore, it has been classified as a Variant of Uncertain Significance.